The following is an entry in ClinVar:

ClinVar aggregate classification (germline): Uncertain significance (1 of 4 stars; one submission).

Conditions:
Joubert syndrome. Also called: Familial aplasia of the vermis; JOUBERT-BOLTSHAUSER SYNDROME; CEREBELLOPARENCHYMAL DISORDER IV. Identifiers: Orphanet 475, MedGen C5979921, MONDO:0018772.
Orofaciodigital syndrome I (OFD1). Also called: Papillon-Leage and Psaume Syndrome; OFDS I; Oral-Facial-Digital Syndrome Type I. Identifiers: Orphanet 2750, MedGen C1510460, MONDO:0010702, OMIM 311200.

Submission:

Labcorp Genetics (formerly Invitae), Labcorp
Classification: Uncertain significance for Orofaciodigital syndrome I; Joubert syndrome. Last evaluated: 2025-07-13. Review status: criteria provided, single submitter. Criteria: Invitae Variant Classification Sherloc (09022015). Collection method: clinical testing. Allele origin: germline.
Comment: This sequence change replaces lysine, which is basic and polar, with glutamic acid, which is acidic and polar, at codon 280 of the OFD1 protein (p.Lys280Glu). This variant is not present in population databases (gnomAD no frequency). This variant has not been reported in the literature in individuals affected with OFD1-related conditions. Invitae Evidence Modeling of protein sequence and biophysical properties (such as structural, functional, and spatial information, amino acid conservation, physicochemical variation, residue mobility, and thermodynamic stability) indicates that this missense variant is not expected to disrupt OFD1 protein function with a negative predictive value of 80%. In summary, the available evidence is currently insufficient to determine the role of this variant in disease. Therefore, it has been classified as a Variant of Uncertain Significance.

NM_003611.3(OFD1):c.838A>G (p.Lys280Glu)

Gene: OFD1 (OFD1 centriole and centriolar satellite protein; plus strand). Cytogenetic location: Xp22.2.
Variant type: single nucleotide variant.
Coding change: c.838A>G on transcript NM_003611.3 (MANE Select); coding-DNA position 838, A replaced by G.
Protein change: p.Lys280Glu; replaces lysine 280 with glutamic acid.
Molecular consequence: missense variant.
Genome position (GRCh38, 1-based): chrX:13,749,436, A>G. VCF-style: chrX-13749436-A-G. GRCh37 (hg19) VCF-style: chrX-13767555-A-G.
Other names: c.838A>G, p.Lys280Glu (NM_001330209.2, NM_001440947.1, NM_001440948.1); c.418A>G, p.Lys140Glu (NM_001330210.2); short protein forms K140E, K280E.
Identifiers: ClinVar variation 4782464 (VCV004782464.1).